The following is an entry in ClinVar:

ClinVar aggregate classification (germline): Likely pathogenic. Review status: criteria provided, multiple submitters, no conflicts (2 of 4 stars). 3 submissions from 3 submitters: Likely pathogenic (2). 1 of the submissions does not count toward it. Last evaluated 2022-06-16.

Conditions:
Fanconi anemia complementation group A (FANCA). Also called: FANCA-Related Fanconi Anemia; Fanconi anemia, group A. Identifiers: Orphanet 84, MedGen C3469521, MONDO:0009215, OMIM 227650.
Fanconi anemia (FA). Also called: Fanconi's anemia. Identifiers: Orphanet 84, MedGen C0015625, MeSH D005199, MONDO:0019391.

Allele frequency attached by ClinVar (database versions not stated): gnomAD exomes below 0.00001.
gnomAD v4.1: 1 of 1,548,682 alleles (0.000065%); highest among the groups gnomAD compares: Middle Eastern, 0.017%; no homozygotes.

Submissions (3):

Labcorp Genetics (formerly Invitae), Labcorp
Classification: Likely pathogenic for Fanconi anemia. Last evaluated: 2022-06-16. Review status: criteria provided, single submitter. Criteria: Invitae Variant Classification Sherloc (09022015). Collection method: clinical testing. Allele origin: germline.
Comment: In summary, the currently available evidence indicates that the variant is pathogenic, but additional data are needed to prove that conclusively. Therefore, this variant has been classified as Likely Pathogenic. Algorithms developed to predict the effect of sequence changes on RNA splicing suggest that this variant may disrupt the consensus splice site. ClinVar contains an entry for this variant (Variation ID: 553876). This variant has not been reported in the literature in individuals affected with FANCA-related conditions. This variant is not present in population databases (gnomAD no frequency). This sequence change affects an acceptor splice site in intron 21 of the FANCA gene. It is expected to disrupt RNA splicing. Variants that disrupt the donor or acceptor splice site typically lead to a loss of protein function (PMID: 16199547), and loss-of-function variants in FANCA are known to be pathogenic (PMID: 19367192).

Fulgent Genetics
Classification: Likely pathogenic for Fanconi anemia complementation group A. Last evaluated: 2021-10-13. Review status: criteria provided, single submitter. Criteria: ACMG Guidelines, 2015. Collection method: clinical testing. Allele origin: unknown.

Counsyl
Classification: Likely pathogenic for Fanconi anemia complementation group A. Last evaluated: 2017-09-16. Review status: no assertion criteria provided. Collection method: clinical testing. Allele origin: unknown. Not counted in ClinVar's aggregate classification.

Literature cited by the submitters: PubMed 16199547 (cited by Labcorp Genetics (formerly Invitae), Labcorp); PubMed 19367192 (cited by Labcorp Genetics (formerly Invitae), Labcorp).

NM_000135.4(FANCA):c.1901-2A>G

Gene: FANCA (FA complementation group A; minus strand). Cytogenetic location: 16q24.3.
Variant type: single nucleotide variant.
Coding change: c.1901-2A>G on transcript NM_000135.4 (MANE Select); the canonical splice acceptor site of the intron before coding-DNA position 1901, A replaced by G.
Molecular consequence: splice acceptor variant.
Genome position (GRCh38, 1-based): chr16:89,773,386, T>C on the plus strand (A>G on the coding strand, the complement: FANCA is on the minus strand). VCF-style: chr16-89773386-T-C. GRCh37 (hg19) VCF-style: chr16-89839794-T-C.
Other names: c.1901-2A>G (NM_001286167.3).
Identifiers: ClinVar variation 553876 (VCV000553876.9), dbSNP rs1555549535, ClinGen allele CA397450478.